The following is an entry in ClinVar:

NM_152703.5(SAMD9L):c.703G>A (p.Gly235Ser)

Gene: SAMD9L (sterile alpha motif domain containing 9 like; minus strand). Cytogenetic location: 7q21.2.
Variant type: single nucleotide variant.
Coding change: c.703G>A on transcript NM_152703.5 (MANE Select); coding-DNA position 703, G replaced by A.
Protein change: p.Gly235Ser; replaces glycine 235 with serine.
Molecular consequence: missense variant.
Genome position (GRCh38, 1-based): chr7:93,135,269, C>T on the plus strand (G>A on the coding strand, the complement: SAMD9L is on the minus strand). VCF-style: chr7-93135269-C-T. GRCh37 (hg19) VCF-style: chr7-92764582-C-T.
Other names: c.703G>A, p.Gly235Ser (NM_001350085.2, NM_001303496.3, NM_001303497.3 and 5 more transcripts); short protein forms G235S.
Identifiers: ClinVar variation 2574815 (VCV002574815.5), dbSNP rs746104225, ClinGen allele CA4343827.
Genomic context (GRCh38, chr7:93,135,269, plus strand): 5'-TGATTTTCACACCAACAATTTCTCCATGGGGTTTGTCCTTGACTCCAAAATGGATGGTGC[C>T]ATTGGTGCGTGAATTCATACAAGCTGATGCAAATCGGAAGACTTCATTGCTGAATTTCAT-3'
Protein context (NP_689916.2, residues 225-245): ASACMNSRTN[Gly235Ser]TIHFGVKDKP

ClinVar aggregate classification (germline): Uncertain significance. Review status: criteria provided, multiple submitters, no conflicts (2 of 4 stars). 3 submissions from 3 submitters: Uncertain significance (3). Last evaluated 2025-10-26.

Conditions:
SAMD9L-related disorder. Also called: SAMD9L-related condition; SAMD9L-related disorders.

Allele frequency attached by ClinVar (database versions not stated): TOPMed 0.00001; ExAC 0.00002; gnomAD 0.00003; gnomAD exomes 0.00006.
gnomAD v4.1: 38 of 1,614,002 alleles (0.0024%); highest among the groups gnomAD compares: East Asian, 0.085%; no homozygotes.

Submissions (3):

Labcorp Genetics (formerly Invitae), Labcorp
Classification: Uncertain significance. Last evaluated: 2025-10-26. Review status: criteria provided, single submitter. Criteria: Invitae Variant Classification Sherloc (09022015). Collection method: clinical testing. Allele origin: germline.
Comment: This sequence change replaces glycine, which is neutral and non-polar, with serine, which is neutral and polar, at codon 235 of the SAMD9L protein (p.Gly235Ser). This variant is present in population databases (rs746104225, gnomAD 0.04%). This missense change has been observed in individual(s) with SAMD9L-related conditions (PMID: 30322869). ClinVar contains an entry for this variant (Variation ID: 2574815). An algorithm developed to predict the effect of missense changes on protein structure and function (PolyPhen-2) suggests that this variant is likely to be disruptive. Experimental studies have shown that this missense change affects SAMD9L function (PMID: 30322869). In summary, the available evidence is currently insufficient to determine the role of this variant in disease. Therefore, it has been classified as a Variant of Uncertain Significance.

PreventionGenetics, part of Exact Sciences
Classification: Uncertain significance for SAMD9L-related condition. Last evaluated: 2025-01-19. Review status: criteria provided, single submitter. Criteria: ACMG Guidelines, 2015. Collection method: clinical testing. Allele origin: germline.
Comment: The SAMD9L c.703G>A variant is predicted to result in the amino acid substitution p.Gly235Ser. This variant has been reported in an individual with myelodysplastic syndrome (Nagata et al. 2018. PubMed ID: 30322869). This variant is reported in 0.044% of alleles in individuals of East Asian descent in gnomAD. At this time, the clinical significance of this variant is uncertain due to the absence of conclusive functional and genetic evidence.

GeneDx
Classification: Uncertain significance. Last evaluated: 2023-02-01. Review status: criteria provided, single submitter. Criteria: GeneDx Variant Classification Process June 2021. Collection method: clinical testing. Allele origin: germline. Affected: yes.
Comment: In silico analysis supports that this missense variant has a deleterious effect on protein structure/function; Observed in the germline of an individual with myelodysplastic syndrome (Nagata et al., 2018); This variant is associated with the following publications: (PMID: 28545555, 30322869)

Literature cited by the submitters: PubMed 30322869 (cited by Labcorp Genetics (formerly Invitae), Labcorp).